The following is an entry in ClinVar:

ClinVar aggregate classification (germline): Uncertain significance. Review status: criteria provided, multiple submitters, no conflicts (2 of 4 stars). 2 submissions from 2 submitters: Uncertain significance (2). Last evaluated 2024-01-24.

Conditions:
Vesicoureteral reflux 3 (VUR3). Identifiers: Orphanet 289365, MedGen C3150927, MONDO:0013356, OMIM 613674.

Submissions (2):

Labcorp Genetics (formerly Invitae), Labcorp
Classification: Uncertain significance. Last evaluated: 2024-01-24. Review status: criteria provided, single submitter. Criteria: Invitae Variant Classification Sherloc (09022015). Collection method: clinical testing. Allele origin: germline.
Comment: This sequence change replaces glycine, which is neutral and non-polar, with aspartic acid, which is acidic and polar, at codon 301 of the SOX17 protein (p.Gly301Asp). The frequency data for this variant in the population databases is considered unreliable, as metrics indicate poor data quality at this position in the gnomAD database. This variant has not been reported in the literature in individuals affected with SOX17-related conditions. Advanced modeling of protein sequence and biophysical properties (such as structural, functional, and spatial information, amino acid conservation, physicochemical variation, residue mobility, and thermodynamic stability) performed at Invitae indicates that this missense variant is not expected to disrupt SOX17 protein function with a negative predictive value of 80%. In summary, the available evidence is currently insufficient to determine the role of this variant in disease. Therefore, it has been classified as a Variant of Uncertain Significance.

Fulgent Genetics
Classification: Uncertain significance for Vesicoureteral reflux 3. Last evaluated: 2024-01-03. Review status: criteria provided, single submitter. Criteria: ACMG Guidelines, 2015. Collection method: clinical testing. Allele origin: germline.

NM_022454.4(SOX17):c.902G>A (p.Gly301Asp)

Gene: SOX17 (SRY-box transcription factor 17; plus strand). Cytogenetic location: 8q11.23.
Variant type: single nucleotide variant.
Coding change: c.902G>A on transcript NM_022454.4 (MANE Select); coding-DNA position 902, G replaced by A.
Protein change: p.Gly301Asp; replaces glycine 301 with aspartic acid.
Molecular consequence: missense variant.
Genome position (GRCh38, 1-based): chr8:54,459,652, G>A. VCF-style: chr8-54459652-G-A. GRCh37 (hg19) VCF-style: chr8-55372212-G-A.
Other names: short protein forms G301D.
Identifiers: ClinVar variation 3595662 (VCV003595662.3).